The following is an entry in ClinVar:

ClinVar aggregate classification (germline): Conflicting classifications of pathogenicity. Review status: criteria provided, conflicting classifications (1 of 4 stars). 5 submissions from 5 submitters: Uncertain significance (4); Likely benign (1). Last evaluated 2026-03-27.

Conditions:
Primary ciliary dyskinesia. Also called: Ciliary dyskinesia. Identifiers: Orphanet 244, MedGen C0008780, MONDO:0016575, HP:0012265.
Primary ciliary dyskinesia 14. Also called: CILIARY DYSKINESIA, PRIMARY, 14, WITH OR WITHOUT SITUS INVERSUS. Identifiers: Orphanet 244, MedGen C3151136, MONDO:0013434, OMIM 613807.

Allele frequency attached by ClinVar (database versions not stated): gnomAD 0.00009; gnomAD exomes 0.00019 and 0.00013; TOPMed 0.00014; 1000 Genomes Project 0.00020; 1000 Genomes Project 30x 0.00016; ExAC 0.00016; ESP Exome Variant Server 0.00017.
gnomAD v4.1: 281 of 1,593,646 alleles (0.018%); highest among the groups gnomAD compares: Non-Finnish European, 0.022%; 1 homozygote.

Submissions (5):

Ambry Genetics
Classification: Likely benign for Primary ciliary dyskinesia. Last evaluated: 2026-03-27. Review status: criteria provided, single submitter. Criteria: Ambry Variant Classification Scheme 2023. Collection method: clinical testing. Allele origin: germline.

GeneDx
Classification: Uncertain significance. Last evaluated: 2024-05-17. Review status: criteria provided, single submitter. Criteria: GeneDx Variant Classification Process June 2021. Collection method: clinical testing. Allele origin: germline. Affected: yes.
Comment: In silico analysis indicates that this missense variant does not alter protein structure/function; Has not been previously published as pathogenic or benign to our knowledge

CeGaT Center for Human Genetics Tuebingen
Classification: Uncertain significance. Last evaluated: 2023-09-01. Review status: criteria provided, single submitter. Criteria: CeGaT Center For Human Genetics Tuebingen Variant Classification Criteria Version 2. Collection method: clinical testing. Allele origin: germline. Affected: yes. Observed: 1 variant allele.
Comment: CCDC39: PM2, BP4

Labcorp Genetics (formerly Invitae), Labcorp
Classification: Uncertain significance for Primary ciliary dyskinesia. Last evaluated: 2022-07-12. Review status: criteria provided, single submitter. Criteria: Invitae Variant Classification Sherloc (09022015). Collection method: clinical testing. Allele origin: germline.
Comment: This sequence change replaces threonine, which is neutral and polar, with alanine, which is neutral and non-polar, at codon 850 of the CCDC39 protein (p.Thr850Ala). This variant is present in population databases (rs201963508, gnomAD 0.02%). This variant has not been reported in the literature in individuals affected with CCDC39-related conditions. ClinVar contains an entry for this variant (Variation ID: 219718). Algorithms developed to predict the effect of missense changes on protein structure and function output the following: SIFT: "Tolerated"; PolyPhen-2: "Benign"; Align-GVGD: "Class C0". The alanine amino acid residue is found in multiple mammalian species, which suggests that this missense change does not adversely affect protein function. In summary, the available evidence is currently insufficient to determine the role of this variant in disease. Therefore, it has been classified as a Variant of Uncertain Significance.

Fulgent Genetics
Classification: Uncertain significance for Primary ciliary dyskinesia 14. Last evaluated: 2021-07-16. Review status: criteria provided, single submitter. Criteria: ACMG Guidelines, 2015. Collection method: clinical testing. Allele origin: unknown.

NM_181426.2(CCDC39):c.2548A>G (p.Thr850Ala)

Genes: CCDC39 (coiled-coil domain 39 molecular ruler complex subunit; minus strand), TTC14 (tetratricopeptide repeat domain 14; plus strand). Cytogenetic location: 3q26.33.
Variant type: single nucleotide variant.
Coding change: c.2548A>G on transcript NM_181426.2 (MANE Select); coding-DNA position 2548, A replaced by G.
Protein change: p.Thr850Ala; replaces threonine 850 with alanine.
Molecular consequence: missense variant. On other transcripts: intron variant (1).
Genome position (GRCh38, 1-based): chr3:180,616,554, T>C on the plus strand (A>G on the coding strand, the complement: CCDC39 is on the minus strand). VCF-style: chr3-180616554-T-C. GRCh37 (hg19) VCF-style: chr3-180334342-T-C.
Other names: c.1775-826T>C (NM_001288582.2); short protein forms T850A.
Identifiers: ClinVar variation 219718 (VCV000219718.31), dbSNP rs201963508, ClinGen allele CA349495.